The following is an entry in ClinVar:

ClinVar aggregate classification (germline): Uncertain significance (1 of 4 stars; one submission).

Conditions:
Inborn genetic diseases. Identifiers: MedGen C0950123, MeSH D030342.

Submission:

Ambry Genetics
Classification: Uncertain significance for Inborn genetic diseases. Last evaluated: 2025-04-17. Review status: criteria provided, single submitter. Criteria: Ambry Variant Classification Scheme 2023. Collection method: clinical testing. Allele origin: germline.
Comment: The p.P489R variant (also known as c.1466C>G), located in coding exon 1 of the SAMD9 gene, results from a C to G substitution at nucleotide position 1466. The proline at codon 489 is replaced by arginine, an amino acid with dissimilar properties. This amino acid position is conserved. In addition, this alteration is predicted to be tolerated by in silico analysis. Based on the available evidence, the clinical significance of this variant remains unclear.

NM_017654.4(SAMD9):c.1466C>G (p.Pro489Arg)

Gene: SAMD9 (sterile alpha motif domain containing 9; minus strand). Cytogenetic location: 7q21.2.
Variant type: single nucleotide variant.
Coding change: c.1466C>G on transcript NM_017654.4 (MANE Select); coding-DNA position 1466, C replaced by G.
Protein change: p.Pro489Arg; replaces proline 489 with arginine.
Molecular consequence: missense variant.
Genome position (GRCh38, 1-based): chr7:93,104,632, G>C on the plus strand (C>G on the coding strand, the complement: SAMD9 is on the minus strand). VCF-style: chr7-93104632-G-C. GRCh37 (hg19) VCF-style: chr7-92733945-G-C.
Other names: c.1466C>G, p.Pro489Arg (NM_001193307.2); short protein forms P489R.
Identifiers: ClinVar variation 3949553 (VCV003949553.1).